The following is an entry in ClinVar:

NM_003206.4(TCF21):c.94G>C (p.Val32Leu)

Gene: TCF21 (transcription factor 21; plus strand). Cytogenetic location: 6q23.2.
Variant type: single nucleotide variant.
Coding change: c.94G>C on transcript NM_003206.4 (MANE Select); coding-DNA position 94, G replaced by C.
Protein change: p.Val32Leu; replaces valine 32 with leucine.
Molecular consequence: missense variant.
Genome position (GRCh38, 1-based): chr6:133,889,491, G>C. VCF-style: chr6-133889491-G-C. GRCh37 (hg19) VCF-style: chr6-134210629-G-C.
Other names: c.94G>C, p.Val32Leu (NM_198392.3); short protein forms V32L.
Identifiers: ClinVar variation 3039740 (VCV003039740.2), dbSNP rs74899812, ClinGen allele CA4008576.

ClinVar aggregate classification (germline): Likely benign (0 of 4 stars; one submission).

Conditions:
TCF21-related disorder. Also called: TCF21-related condition.

Allele frequency attached by ClinVar (database versions not stated): ESP Exome Variant Server 0.00008; gnomAD 0.00014; ExAC 0.00039; 1000 Genomes Project 0.00120; 1000 Genomes Project 30x 0.00125.

Submission:

PreventionGenetics, part of Exact Sciences
Classification: Likely benign for TCF21-related condition. Last evaluated: 2019-09-17. Review status: no assertion criteria provided. Collection method: clinical testing. Allele origin: germline.
Comment: This variant is classified as likely benign based on ACMG/AMP sequence variant interpretation guidelines (Richards et al. 2015 PMID: 25741868, with internal and published modifications).